The following is an entry in ClinVar:

ClinVar aggregate classification (germline): Uncertain significance (1 of 4 stars; one submission).

Conditions:
Ataxia-telangiectasia syndrome (AT). Also called: Ataxia-telangiectasia, complementation group D; Ataxia telangiectasia (A-T); ATAXIA-TELANGIECTASIA, COMPLEMENTATION GROUP A; LOUIS-BAR SYNDROME; Cerebello-oculocutaneous telangiectasia; Immunodeficiency with ataxia telangiectasia. Identifiers: Orphanet 100, MedGen C0004135, MONDO:0008840, OMIM 208900.

Allele frequency attached by ClinVar (database versions not stated): gnomAD exomes below 0.00001.
gnomAD v4.1: 1 of 1,612,306 alleles (0.000062%); highest among the groups gnomAD compares: South Asian, 0.0011%; no homozygotes.

Submission:

Labcorp Genetics (formerly Invitae), Labcorp
Classification: Uncertain significance for Ataxia-telangiectasia syndrome. Last evaluated: 2025-09-20. Review status: criteria provided, single submitter. Criteria: Invitae Variant Classification Sherloc (09022015). Collection method: clinical testing. Allele origin: germline.
Comment: This sequence change replaces leucine, which is neutral and non-polar, with isoleucine, which is neutral and non-polar, at codon 439 of the ATM protein (p.Leu439Ile). This variant is not present in population databases (gnomAD no frequency). This variant has not been reported in the literature in individuals affected with ATM-related conditions. ClinVar contains an entry for this variant (Variation ID: 1721376). Invitae Evidence Modeling of protein sequence and biophysical properties (such as structural, functional, and spatial information, amino acid conservation, physicochemical variation, residue mobility, and thermodynamic stability) indicates that this missense variant is not expected to disrupt ATM protein function with a negative predictive value of 95%. In summary, the available evidence is currently insufficient to determine the role of this variant in disease. Therefore, it has been classified as a Variant of Uncertain Significance.

NM_000051.4(ATM):c.1315C>A (p.Leu439Ile)

Gene: ATM (ATM serine/threonine kinase; plus strand). Cytogenetic location: 11q22.3.
Variant type: single nucleotide variant.
Coding change: c.1315C>A on transcript NM_000051.4 (MANE Select); coding-DNA position 1315, C replaced by A.
Protein change: p.Leu439Ile; replaces leucine 439 with isoleucine.
Molecular consequence: missense variant.
Genome position (GRCh38, 1-based): chr11:108,250,780, C>A. VCF-style: chr11-108250780-C-A. GRCh37 (hg19) VCF-style: chr11-108121507-C-A.
Other names: c.1315C>A, p.Leu439Ile (NM_001351834.2); short protein forms L439I.
Identifiers: ClinVar variation 1721376 (VCV001721376.5), dbSNP rs2135318392, ClinGen allele CA382533652.